The following is an entry in ClinVar:

ClinVar aggregate classification (germline): Uncertain significance (1 of 4 stars; one submission).

Submission:

GeneDx
Classification: Uncertain significance. Last evaluated: 2022-04-26. Review status: criteria provided, single submitter. Criteria: GeneDx Variant Classification Process June 2021. Collection method: clinical testing. Allele origin: germline. Affected: yes.
Comment: Not observed at significant frequency in large population cohorts (gnomAD); In silico analysis supports that this missense variant has a deleterious effect on protein structure/function; Has not been previously published as pathogenic or benign to our knowledge

NM_003797.5(EED):c.1076G>T (p.Ser359Ile)

Gene: EED (embryonic ectoderm development; plus strand). Cytogenetic location: 11q14.2.
Variant type: single nucleotide variant.
Coding change: c.1076G>T on transcript NM_003797.5 (MANE Select); coding-DNA position 1076, G replaced by T.
Protein change: p.Ser359Ile; replaces serine 359 with isoleucine.
Molecular consequence: missense variant.
Genome position (GRCh38, 1-based): chr11:86,277,089, G>T. VCF-style: chr11-86277089-G-T. GRCh37 (hg19) VCF-style: chr11-85988131-G-T.
Other names: c.1151G>T, p.Ser384Ile (NM_001308007.2); c.836G>T, p.Ser279Ile (NM_001330334.2); short protein forms S279I, S359I, S384I.
Identifiers: ClinVar variation 1712540 (VCV001712540.2), dbSNP rs2495924830, ClinGen allele CA382007553.